The following is an entry in ClinVar:

ClinVar aggregate classification (germline): Uncertain significance (1 of 4 stars; one submission).

Submission:

Labcorp Genetics (formerly Invitae), Labcorp
Classification: Uncertain significance. Last evaluated: 2020-10-26. Review status: criteria provided, single submitter. Criteria: Invitae Variant Classification Sherloc (09022015). Collection method: clinical testing. Allele origin: germline.
Comment: In summary, the available evidence is currently insufficient to determine the role of this variant in disease. Therefore, it has been classified as a Variant of Uncertain Significance. Algorithms developed to predict the effect of missense changes on protein structure and function are either unavailable or do not agree on the potential impact of this missense change (SIFT: "Deleterious"; PolyPhen-2: "Benign"; Align-GVGD: "Class C55"). This variant has not been reported in the literature in individuals with NBAS-related conditions. This variant is not present in population databases (ExAC no frequency). This sequence change replaces valine with alanine at codon 1220 of the NBAS protein (p.Val1220Ala). The valine residue is highly conserved and there is a small physicochemical difference between valine and alanine.

NM_015909.4(NBAS):c.3659T>C (p.Val1220Ala)

Gene: NBAS (NBAS subunit of NRZ tethering complex; minus strand). Cytogenetic location: 2p24.3.
Variant type: single nucleotide variant.
Coding change: c.3659T>C on transcript NM_015909.4 (MANE Select); coding-DNA position 3659, T replaced by C.
Protein change: p.Val1220Ala; replaces valine 1220 with alanine.
Molecular consequence: missense variant. On other transcripts: non-coding transcript variant (1).
Genome position (GRCh38, 1-based): chr2:15,374,652, A>G on the plus strand (T>C on the coding strand, the complement: NBAS is on the minus strand). VCF-style: chr2-15374652-A-G. GRCh37 (hg19) VCF-style: chr2-15514776-A-G.
Other names: short protein forms V1220A.
Identifiers: ClinVar variation 1060777 (VCV001060777.7), dbSNP rs2148359792, ClinGen allele CA345896005.